The following is an entry in ClinVar:

NM_015443.4(KANSL1):c.1410C>A (p.Tyr470Ter)

Gene: KANSL1 (KAT8 regulatory NSL complex subunit 1). Cytogenetic location: 17q21.31.
Variant type: single nucleotide variant.
Coding change: c.1410C>A on transcript NM_015443.4 (MANE Select); coding-DNA position 1410, C replaced by A.
Protein change: p.Tyr470Ter; replaces tyrosine 470 with a stop codon.
Molecular consequence: nonsense.
Genome position (GRCh38, 1-based): chr17:46,094,581, G>T on the plus strand (C>A on the coding strand, the complement: KANSL1 is on the minus strand). VCF-style: chr17-46094581-G-T. GRCh37 (hg19) VCF-style: chr17-44171947-G-T.
Other names: c.1410C>A, p.Tyr470Ter (NM_001193465.2, NM_001193466.2, NM_001379198.1); short protein forms Y470*.
Identifiers: ClinVar variation 489028 (VCV000489028.1), dbSNP rs776206707, ClinGen allele CA399996358.

ClinVar aggregate classification (germline): Uncertain significance (1 of 4 stars; one submission).

Submission:

GeneDx
Classification: Uncertain significance. Last evaluated: 2017-07-25. Review status: criteria provided, single submitter. Criteria: GeneDx Variant Classification (06012015). Collection method: clinical testing. Allele origin: germline. Affected: yes.
Comment: The Y470X variant in the KANSL1 gene has not been reported previously as a pathogenic variant nor as a benign variant, to our knowledge. This variant is predicted to cause loss of normal protein function either through protein truncation or nonsense-mediated mRNA decay. The Y470X variant is not observed in large population cohorts (Lek et al., 2016; 1000 Genomes Consortium et al., 2015; Exome Variant Server). Based on the currently available information, it is unclear whether this variant is a pathogenic variant or a rare benign variant. This variant has been seen apparently de novo.